The following is an entry in ClinVar:

NM_032043.3(BRIP1):c.87G>A (p.Met29Ile)

Gene: BRIP1 (BRCA1 interacting DNA helicase 1; minus strand). Cytogenetic location: 17q23.2.
Variant type: single nucleotide variant.
Coding change: c.87G>A on transcript NM_032043.3 (MANE Select); coding-DNA position 87, G replaced by A.
Protein change: p.Met29Ile; replaces methionine 29 with isoleucine.
Molecular consequence: missense variant.
Genome position (GRCh38, 1-based): chr17:61,861,453, C>T on the plus strand (G>A on the coding strand, the complement: BRIP1 is on the minus strand). VCF-style: chr17-61861453-C-T. GRCh37 (hg19) VCF-style: chr17-59938814-C-T.
Other names: short protein forms M29I.
Identifiers: ClinVar variation 485469 (VCV000485469.7), dbSNP rs769585673, ClinGen allele CA8691014.

ClinVar aggregate classification (germline): Uncertain significance. Review status: criteria provided, multiple submitters, no conflicts (2 of 4 stars). 2 submissions from 2 submitters: Uncertain significance (2). Last evaluated 2024-02-23.

Conditions:
Hereditary cancer-predisposing syndrome. Also called: Hereditary neoplastic syndrome; Neoplastic Syndromes, Hereditary; Tumor predisposition; Hereditary Cancer Syndrome. Identifiers: Orphanet 140162, MedGen C0027672, MeSH D009386, MONDO:0015356.
Fanconi anemia complementation group J. Also called: BRIP1-Related Fanconi Anemia. Identifiers: Orphanet 84, MedGen C1836860, MONDO:0012187, OMIM 609054.
Familial cancer of breast. Also called: BREAST CANCER, FAMILIAL; Hereditary breast cancer; hereditary breast carcinoma. Identifiers: Orphanet 227535, MedGen C0346153, MONDO:0016419, OMIM 114480. Disease mechanism: loss of function.

Allele frequency attached by ClinVar (database versions not stated): gnomAD exomes below 0.00001; ExAC 0.00001.
gnomAD v4.1: 1 of 1,607,916 alleles (0.000062%); highest among the groups gnomAD compares: Non-Finnish European, 0.000085%; no homozygotes.

Submissions (2):

Labcorp Genetics (formerly Invitae), Labcorp
Classification: Uncertain significance for Familial cancer of breast; Fanconi anemia complementation group J. Last evaluated: 2024-02-23. Review status: criteria provided, single submitter. Criteria: Invitae Variant Classification Sherloc (09022015). Collection method: clinical testing. Allele origin: germline.
Comment: This sequence change replaces methionine, which is neutral and non-polar, with isoleucine, which is neutral and non-polar, at codon 29 of the BRIP1 protein (p.Met29Ile). This variant is present in population databases (rs769585673, gnomAD 0.0009%). This variant has not been reported in the literature in individuals affected with BRIP1-related conditions. ClinVar contains an entry for this variant (Variation ID: 485469). Advanced modeling of protein sequence and biophysical properties (such as structural, functional, and spatial information, amino acid conservation, physicochemical variation, residue mobility, and thermodynamic stability) performed at Invitae indicates that this missense variant is expected to disrupt BRIP1 protein function with a positive predictive value of 80%. In summary, the available evidence is currently insufficient to determine the role of this variant in disease. Therefore, it has been classified as a Variant of Uncertain Significance.

Ambry Genetics
Classification: Uncertain significance for Hereditary cancer-predisposing syndrome. Last evaluated: 2018-11-06. Review status: criteria provided, single submitter. Criteria: Ambry Variant Classification Scheme 2023. Collection method: clinical testing. Allele origin: germline.
Comment: The p.M29I variant (also known as c.87G>A), located in coding exon 1 of the BRIP1 gene, results from a G to A substitution at nucleotide position 87. The methionine at codon 29 is replaced by isoleucine, an amino acid with highly similar properties. This amino acid position is highly conserved in available vertebrate species. In addition, the in silico prediction for this alteration is inconclusive. Since supporting evidence is limited at this time, the clinical significance of this alteration remains unclear.